The following is an entry in ClinVar:

NM_000545.8(HNF1A):c.721T>C (p.Cys241Arg)

Gene: HNF1A (HNF1 homeobox A; plus strand). Cytogenetic location: 12q24.31.
Variant type: single nucleotide variant.
Coding change: c.721T>C on transcript NM_000545.8 (MANE Select); coding-DNA position 721, T replaced by C.
Protein change: p.Cys241Arg; replaces cysteine 241 with arginine.
Molecular consequence: missense variant.
Genome position (GRCh38, 1-based): chr12:120,994,171, T>C. VCF-style: chr12-120994171-T-C. GRCh37 (hg19) VCF-style: chr12-121431974-T-C.
Other names: NM_001306179.2:c.721T>C; c.721T>C, p.Cys241Arg (NM_001306179.2); short protein forms C241R.
Identifiers: ClinVar variation 1327609 (VCV001327609.4), dbSNP rs2135841104, ClinGen allele CA386965775.

ClinVar aggregate classification (germline): Likely pathogenic (3 of 4 stars; one submission).

Conditions:
Monogenic diabetes. Identifiers: Orphanet 183625, MedGen C3888631, MONDO:0015967.

Submission:

ClinGen Monogenic Diabetes Variant Curation Expert Panel
Classification: Likely pathogenic for Monogenic diabetes. Last evaluated: 2025-07-24. Review status: reviewed by expert panel. Criteria: ClinGen Diabetes ACMG Specifications HNF1A V3.0.0. Collection method: curation. Allele origin: germline. Inheritance: Autosomal dominant inheritance.
Comment: The c.721T>C variant in the HNF1 homeobox A gene, HNF1A, causes an amino acid change of cysteine to arginine at codon 241 (p.(Cys241Arg)) of NM_000545.8. This variant is located within a conserved region of the HNF1A DNA binding domain (codons 107-174 and 201-280), which is defined as critical for the protein’s function by the ClinGen MDEP (PM1_Supporting). This variant is absent from gnomAD v2.1.1 and v4.1.0 (PM2_Supporting). Additionally, this variant is predicted to be deleterious by computational evidence, with a REVEL score of 0.971, which is greater than the MDEP VCEP threshold of 0.70 (PP3). Another missense variant at the same codon, c.721T>G p.(Cys241Gly), has been classified as likely pathogenic by the ClinGen MDEP (PM5_Supporting). This variant was identified in five unrelated individuals with non-autoimmune and non-absolute/near-absolute insulin-deficient diabetes (PS4_Moderate; internal lab contributors). Additionally, one of these individuals had a clinical history highly specific for HNF1A-monogenic diabetes (MODY probability calculator result >50%, negative genetic testing for HNF4A, and sulfonylurea sensitive) (PP4_Moderate; internal lab contributor). This variant segregated with disease with 2 informative meioses in 2 families (PP1; internal lab contributor). In summary, c.721T>C meets the criteria to be classified as likely pathogenic for monogenic diabetes. ACMG/AMP criteria applied, as specified by the ClinGen MDEP (specification version 3.0.0, approved 6/30/2025): PM2_Supporting, PP3, PM1_Supporting, PS4_Moderate, PP1, PP4_Moderate, PM5_Supporting.